The following is an entry in ClinVar:

ClinVar aggregate classification (germline): Uncertain significance (1 of 4 stars; one submission).

Submission:

Labcorp Genetics (formerly Invitae), Labcorp
Classification: Uncertain significance. Last evaluated: 2020-10-25. Review status: criteria provided, single submitter. Criteria: Invitae Variant Classification Sherloc (09022015). Collection method: clinical testing. Allele origin: germline.
Comment: This sequence change replaces leucine with phenylalanine at codon 3588 of the LRP2 protein (p.Leu3588Phe). The leucine residue is highly conserved and there is a small physicochemical difference between leucine and phenylalanine. This variant is not present in population databases (ExAC no frequency). This variant has not been reported in the literature in individuals with LRP2-related conditions. Algorithms developed to predict the effect of missense changes on protein structure and function are either unavailable or do not agree on the potential impact of this missense change (SIFT: "Deleterious"; PolyPhen-2: "Probably Damaging"; Align-GVGD: "Class C0"). In summary, the available evidence is currently insufficient to determine the role of this variant in disease. Therefore, it has been classified as a Variant of Uncertain Significance.

NM_004525.3(LRP2):c.10762C>T (p.Leu3588Phe)

Gene: LRP2 (LDL receptor related protein 2; minus strand). Cytogenetic location: 2q31.1.
Variant type: single nucleotide variant.
Coding change: c.10762C>T on transcript NM_004525.3 (MANE Select); coding-DNA position 10762, C replaced by T.
Protein change: p.Leu3588Phe; replaces leucine 3588 with phenylalanine.
Molecular consequence: missense variant.
Genome position (GRCh38, 1-based): chr2:169,175,199, G>A on the plus strand (C>T on the coding strand, the complement: LRP2 is on the minus strand). VCF-style: chr2-169175199-G-A. GRCh37 (hg19) VCF-style: chr2-170031709-G-A.
Other names: short protein forms L3588F.
Identifiers: ClinVar variation 1016787 (VCV001016787.8), dbSNP rs1173031751, ClinGen allele CA349146290.